The following is an entry in ClinVar:

ClinVar aggregate classification (germline): Uncertain significance. Review status: criteria provided, multiple submitters, no conflicts (2 of 4 stars). 2 submissions from 2 submitters: Uncertain significance (2). Last evaluated 2026-06-01.

Conditions:
Inborn genetic diseases. Identifiers: MedGen C0950123, MeSH D030342.

gnomAD v4.1: 31 of 1,613,868 alleles (0.0019%); highest among the groups gnomAD compares: Middle Eastern, 0.016%; no homozygotes.

Submissions (2):

CeGaT Center for Human Genetics Tuebingen
Classification: Uncertain significance. Last evaluated: 2026-06-01. Review status: criteria provided, single submitter. Criteria: CeGaT Center For Human Genetics Tuebingen Variant Classification Criteria Version 2. Collection method: clinical testing. Allele origin: germline. Affected: yes. Observed: 1 variant allele.
Comment: DDHD2: PM2, BP4

Ambry Genetics
Classification: Uncertain significance for Inborn genetic diseases. Last evaluated: 2025-10-07. Review status: criteria provided, single submitter. Criteria: Ambry Variant Classification Scheme 2023. Collection method: clinical testing. Allele origin: germline.

NM_015214.3(DDHD2):c.1480C>T (p.Arg494Trp)

Gene: DDHD2 (DDHD domain containing 2; plus strand). Cytogenetic location: 8p11.23.
Variant type: single nucleotide variant.
Coding change: c.1480C>T on transcript NM_015214.3 (MANE Select); coding-DNA position 1480, C replaced by T.
Protein change: p.Arg494Trp; replaces arginine 494 with tryptophan.
Molecular consequence: missense variant. On other transcripts: non-coding transcript variant (2).
Genome position (GRCh38, 1-based): chr8:38,252,150, C>T. VCF-style: chr8-38252150-C-T. GRCh37 (hg19) VCF-style: chr8-38109668-C-T.
Other names: c.1480C>T, p.Arg494Trp (NM_001164232.2, NM_001362911.2, NM_001362912.2 and 1 more transcripts); c.1390C>T, p.Arg464Trp (NM_001362913.2); short protein forms R464W, R494W.
Identifiers: ClinVar variation 4617050 (VCV004617050.3).